The following is an entry in ClinVar:

ClinVar aggregate classification (germline): Uncertain significance (1 of 4 stars; one submission).

Submission:

Ambry Genetics
Classification: Uncertain significance. Last evaluated: 2026-05-02. Review status: criteria provided, single submitter. Criteria: Ambry Variant Classification Scheme 2023. Collection method: clinical testing. Allele origin: germline.
Comment: The p.S249I variant (also known as c.746G>T), located in coding exon 6 of the GEN1 gene, results from a G to T substitution at nucleotide position 746. The serine at codon 249 is replaced by isoleucine, an amino acid with dissimilar properties. This amino acid position is conserved. In addition, this alteration is predicted to be tolerated by in silico analysis. Based on the available evidence, the clinical significance of this variant remains unclear.

NM_001130009.3(GEN1):c.746G>T (p.Ser249Ile)

Gene: GEN1 (GEN1 structure-specific endonuclease; plus strand). Cytogenetic location: 2p24.2.
Variant type: single nucleotide variant.
Coding change: c.746G>T on transcript NM_001130009.3 (MANE Select); coding-DNA position 746, G replaced by T.
Protein change: p.Ser249Ile; replaces serine 249 with isoleucine.
Molecular consequence: missense variant.
Genome position (GRCh38, 1-based): chr2:17,771,231, G>T. VCF-style: chr2-17771231-G-T. GRCh37 (hg19) VCF-style: chr2-17952498-G-T.
Other names: c.746G>T, p.Ser249Ile (NM_182625.5); short protein forms S249I.
Identifiers: ClinVar variation 4857967 (VCV004857967.1).